The following is an entry in ClinVar:

NM_001353345.2(SETD1B):c.1722A>G (p.Pro574=)

Gene: SETD1B (SET domain containing 1B, histone lysine methyltransferase; plus strand). Cytogenetic location: 12q24.31.
Variant type: single nucleotide variant.
Coding change: c.1722A>G on transcript NM_001353345.2 (MANE Select); coding-DNA position 1722, A replaced by G.
Protein change: p.Pro574=; no amino-acid change (proline 574 retained).
Molecular consequence: synonymous variant.
Genome position (GRCh38, 1-based): chr12:121,810,667, A>G. VCF-style: chr12-121810667-A-G. GRCh37 (hg19) VCF-style: chr12-122248573-A-G.
Identifiers: ClinVar variation 4533876 (VCV004533876.6).

ClinVar aggregate classification (germline): Likely benign (1 of 4 stars; one submission).

gnomAD v4.1: 1 of 1,549,892 alleles (0.000065%); highest among the groups gnomAD compares: Non-Finnish European, 0.000087%; no homozygotes.

Submission:

CeGaT Center for Human Genetics Tuebingen
Classification: Likely benign. Last evaluated: 2025-10-01. Review status: criteria provided, single submitter. Criteria: CeGaT Center For Human Genetics Tuebingen Variant Classification Criteria Version 2. Collection method: clinical testing. Allele origin: germline. Affected: yes. Observed: 1 variant allele.
Comment: SETD1B: BP4, BP7